The following is an entry in ClinVar:

ClinVar aggregate classification (germline): Uncertain significance (1 of 4 stars; one submission).

Conditions:
Hereditary hyperferritinemia with congenital cataracts. Also called: HYPERFERRITINEMIA WITH OR WITHOUT CATARACT; Hereditary hyperferritinemia cataract syndrome; Bonneau-Beaumont syndrome. Identifiers: Orphanet 163, MedGen C1833213, MONDO:0010952, OMIM 600886.
Neuroferritinopathy (NBIA3). Also called: NEURODEGENERATION WITH BRAIN IRON ACCUMULATION 3; BASAL GANGLIA DISEASE, ADULT-ONSET. Identifiers: Orphanet 157846, MedGen C1853578, MONDO:0011638, OMIM 606159.

Allele frequency attached by ClinVar (database versions not stated): gnomAD 0.00003 and 0.00004; TOPMed 0.00005.

Submission:

Labcorp Genetics (formerly Invitae), Labcorp
Classification: Uncertain significance for Neuroferritinopathy; Hereditary hyperferritinemia with congenital cataracts. Last evaluated: 2024-11-21. Review status: criteria provided, single submitter. Criteria: Invitae Variant Classification Sherloc (09022015). Collection method: clinical testing. Allele origin: germline.
Comment: This variant occurs in a non-coding region of the FTL gene. It does not change the encoded amino acid sequence of the FTL protein. This variant is present in population databases (no rsID available, gnomAD 0.007%). This variant has not been reported in the literature in individuals affected with FTL-related conditions. Experimental studies and prediction algorithms are not available or were not evaluated, and the functional significance of this variant is currently unknown. In summary, the available evidence is currently insufficient to determine the role of this variant in disease. Therefore, it has been classified as a Variant of Uncertain Significance.

NC_000019.10:g.48965277C>T

Genes: FTL (ferritin light chain; plus strand), LOC130064891 (ATAC-STARR-seq lymphoblastoid silent region 10909; plus strand). Cytogenetic location: 19q13.33.
Variant type: single nucleotide variant.
Genome position: GRCh38 VCF-style: chr19-48965277-C-T. GRCh37 (hg19) VCF-style: chr19-49468534-C-T.
Identifiers: ClinVar variation 1420487 (VCV001420487.6), dbSNP rs960442161, ClinGen allele CA309374813.